The following is an entry in ClinVar:

NM_000059.4(BRCA2):c.2512A>G (p.Lys838Glu)

Gene: BRCA2 (BRCA2 DNA repair associated; plus strand). Cytogenetic location: 13q13.1.
Variant type: single nucleotide variant.
Coding change: c.2512A>G on transcript NM_000059.4 (MANE Select); coding-DNA position 2512, A replaced by G.
Protein change: p.Lys838Glu; replaces lysine 838 with glutamic acid.
Molecular consequence: missense variant.
Genome position (GRCh38, 1-based): chr13:32,336,867, A>G. VCF-style: chr13-32336867-A-G. GRCh37 (hg19) VCF-style: chr13-32911004-A-G.
Other names: short protein forms K838E.
Identifiers: ClinVar variation 1317342 (VCV001317342.8), dbSNP rs747578057, ClinGen allele CA6940609.

ClinVar aggregate classification (germline): Conflicting classifications of pathogenicity. Review status: criteria provided, conflicting classifications (1 of 4 stars). 4 submissions from 4 submitters: Uncertain significance (2); Likely benign (2). Last evaluated 2026-06-01.

Conditions:
Hereditary cancer-predisposing syndrome. Also called: Neoplastic Syndromes, Hereditary; Tumor predisposition; Hereditary Cancer Syndrome; Hereditary neoplastic syndrome. Identifiers: Orphanet 140162, MedGen C0027672, MeSH D009386, MONDO:0015356.
Hereditary breast ovarian cancer syndrome. Also called: Hereditary breast and ovarian cancer; Hereditary breast and ovarian cancer syndrome; Hereditary breast and ovarian cancer syndrome (HBOC); BRCA1- and BRCA2-Associated Hereditary Breast and Ovarian Cancer; Breast and ovarian cancer; Hereditary breast and/or ovarian cancer syndrome. Identifiers: Orphanet 145, MedGen C0677776, MeSH D061325, MONDO:0003582. Disease mechanism: loss of function.

Allele frequency attached by ClinVar (database versions not stated): ExAC 0.00001; gnomAD 0.00001; gnomAD exomes below 0.00001; TOPMed 0.00001.
gnomAD v4.1: 3 of 1,610,340 alleles (0.00019%); highest among the groups gnomAD compares: African/African-American, 0.0027%; no homozygotes.

Submissions (4):

Ambry Genetics
Classification: Likely benign for Hereditary cancer-predisposing syndrome. Last evaluated: 2026-06-01. Review status: criteria provided, single submitter. Criteria: Ambry Variant Classification Scheme 2023. Collection method: clinical testing. Allele origin: germline.

Labcorp Genetics (formerly Invitae), Labcorp
Classification: Uncertain significance for Hereditary breast ovarian cancer syndrome. Last evaluated: 2025-09-02. Review status: criteria provided, single submitter. Criteria: Invitae Variant Classification Sherloc (09022015). Collection method: clinical testing. Allele origin: germline.
Comment: This sequence change replaces lysine, which is basic and polar, with glutamic acid, which is acidic and polar, at codon 838 of the BRCA2 protein (p.Lys838Glu). This variant is present in population databases (rs747578057, gnomAD 0.007%). This variant has not been reported in the literature in individuals affected with BRCA2-related conditions. ClinVar contains an entry for this variant (Variation ID: 1317342). Invitae Evidence Modeling of protein sequence and biophysical properties (such as structural, functional, and spatial information, amino acid conservation, physicochemical variation, residue mobility, and thermodynamic stability) indicates that this missense variant is not expected to disrupt BRCA2 protein function with a negative predictive value of 95%. In summary, the available evidence is currently insufficient to determine the role of this variant in disease. Therefore, it has been classified as a Variant of Uncertain Significance.

University of Washington Department of Laboratory Medicine, University of Washington
Classification: Likely benign for Hereditary cancer-predisposing syndrome. Last evaluated: 2023-03-23. Review status: criteria provided, single submitter. Criteria: Dines et al. (Genet Med. 2020). Collection method: curation. Allele origin: germline.
Comment: Missense variant in a coldspot region where missense variants are very unlikely to be pathogenic (PMID:31911673).

BRCA2 exon 11 coldspot. Reclassification based on statistical prior probability.

GeneDx
Classification: Uncertain significance. Last evaluated: 2020-08-25. Review status: criteria provided, single submitter. Criteria: GeneDx Variant Classification Process June 2021. Collection method: clinical testing. Allele origin: germline. Affected: yes.
Comment: Not observed at a significant frequency in large population cohorts (Lek et al., 2016); In silico analysis supports that this missense variant has a deleterious effect on protein structure/function; Has not been previously published as pathogenic or benign to our knowledge; Also known as 2740A>G